The following is an entry in ClinVar:

NM_001042492.3(NF1):c.7079T>G (p.Phe2360Cys)

Gene: NF1 (neurofibromin 1; plus strand). Cytogenetic location: 17q11.2.
Variant type: single nucleotide variant.
Coding change: c.7079T>G on transcript NM_001042492.3 (MANE Select); coding-DNA position 7079, T replaced by G.
Protein change: p.Phe2360Cys; replaces phenylalanine 2360 with cysteine.
Molecular consequence: missense variant.
Genome position (GRCh38, 1-based): chr17:31,343,025, T>G. VCF-style: chr17-31343025-T-G. GRCh37 (hg19) VCF-style: chr17-29670043-T-G.
Other names: c.7016T>G, p.Phe2339Cys (NM_000267.4); short protein forms F2339C, F2360C.
Identifiers: ClinVar variation 578916 (VCV000578916.5), dbSNP rs1567620390, ClinGen allele CA399015537.

ClinVar aggregate classification (germline): Uncertain significance (1 of 4 stars; one submission).

Conditions:
Neurofibromatosis, type 1 (NF1). Also called: Peripheral type neurofibromatosis; Neurofibromatosis, type I; VON RECKLINGHAUSEN DISEASE; NEUROFIBROMATOSIS, TYPE I, SOMATIC. Identifiers: Orphanet 636, MedGen C0027831, MONDO:0018975, OMIM 162200. Disease mechanism: loss of function.

Submission:

Labcorp Genetics (formerly Invitae), Labcorp
Classification: Uncertain significance for Neurofibromatosis, type 1. Last evaluated: 2024-02-07. Review status: criteria provided, single submitter. Criteria: Invitae Variant Classification Sherloc (09022015). Collection method: clinical testing. Allele origin: germline.
Comment: This sequence change replaces phenylalanine, which is neutral and non-polar, with cysteine, which is neutral and slightly polar, at codon 2339 of the NF1 protein (p.Phe2339Cys). This variant is not present in population databases (gnomAD no frequency). This variant has not been reported in the literature in individuals affected with NF1-related conditions. ClinVar contains an entry for this variant (Variation ID: 578916). Advanced modeling of protein sequence and biophysical properties (such as structural, functional, and spatial information, amino acid conservation, physicochemical variation, residue mobility, and thermodynamic stability) performed at Invitae indicates that this missense variant is expected to disrupt NF1 protein function with a positive predictive value of 95%. In summary, the available evidence is currently insufficient to determine the role of this variant in disease. Therefore, it has been classified as a Variant of Uncertain Significance.